The following is an entry in ClinVar:

NM_003320.5(TUB):c.-4C>T

Gene: TUB (TUB bipartite transcription factor; plus strand). Cytogenetic location: 11p15.4.
Variant type: single nucleotide variant.
Coding change: c.-4C>T on transcript NM_003320.5; 4 bases upstream of the start codon, C replaced by T.
Molecular consequence: 5 prime UTR variant. On other transcripts: intron variant (4).
Genome position (GRCh38, 1-based): chr11:8,038,870, C>T. VCF-style: chr11-8038870-C-T. GRCh37 (hg19) VCF-style: chr11-8060417-C-T.
Other names: c.56+19512C>T (NM_001440538.1, NM_001440539.1, NM_001440540.1 and 1 more transcripts).
Identifiers: ClinVar variation 3349228 (VCV003349228.1).

ClinVar aggregate classification (germline): Likely benign (0 of 4 stars; one submission).

Conditions:
TUB-related disorder. Also called: TUB-related condition.

gnomAD v4.1: 27 of 1,613,650 alleles (0.0017%); highest among the groups gnomAD compares: Non-Finnish European, 0.0023%; no homozygotes.

Submission:

PreventionGenetics, part of Exact Sciences
Classification: Likely benign for TUB-related condition. Last evaluated: 2024-02-20. Review status: no assertion criteria provided. Collection method: clinical testing. Allele origin: germline.
Comment: This variant is classified as likely benign based on ACMG/AMP sequence variant interpretation guidelines (Richards et al. 2015 PMID: 25741868, with internal and published modifications).